The following is an entry in ClinVar:

ClinVar aggregate classification (germline): Uncertain significance (1 of 4 stars; one submission).

Conditions:
Nizon-Isidor syndrome. Identifiers: MedGen C5394350, MONDO:0030030, OMIM 618872.

Submission:

Laboratorio de Genetica e Diagnostico Molecular, Hospital Israelita Albert Einstein
Classification: Uncertain significance for Nizon-Isidor syndrome. Last evaluated: 2025-10-07. Review status: criteria provided, single submitter. Criteria: ACMG Guidelines, 2015. Collection method: clinical testing. Allele origin: germline. Affected: yes.
Comment: ACMG classification criteria: PM2 supporting, PP2 supporting, BP4 supporting

NM_001393769.1(MED12L):c.3702A>C (p.Leu1234Phe)

Genes: MED12L (mediator complex subunit 12L; plus strand), P2RY12 (purinergic receptor P2Y12; minus strand). Cytogenetic location: 3q25.1.
Variant type: single nucleotide variant.
Coding change: c.3702A>C on transcript NM_001393769.1 (MANE Select); coding-DNA position 3702, A replaced by C.
Protein change: p.Leu1234Phe; replaces leucine 1234 with phenylalanine.
Molecular consequence: missense variant. On other transcripts: intron variant (1).
Genome position (GRCh38, 1-based): chr3:151,372,604, A>C. VCF-style: chr3-151372604-A-C. GRCh37 (hg19) VCF-style: chr3-151090392-A-C.
Other names: c.3597A>C, p.Leu1199Phe (NM_053002.6); c.-180+12088T>G (NM_022788.5); short protein forms L1199F, L1234F.
Identifiers: ClinVar variation 4846850 (VCV004846850.1).